The following is an entry in ClinVar:

NM_001164508.2(NEB):c.18774_18775del (p.Arg6259fs)

Gene: NEB (nebulin; minus strand). Cytogenetic location: 2q23.3.
Variant type: Deletion.
Coding change: c.18774_18775del on transcript NM_001164508.2 (MANE Select); coding-DNA positions 18774 to 18775, 2 bases deleted (AA; older notation c.18774_18775delAA).
Protein change: p.Arg6259fs; shifts the reading frame from arginine 6259.
Molecular consequence: frameshift variant.
Genome position (GRCh38, 1-based): chr2:151,562,727-151,562,728, TT deleted on the plus strand (AA on the coding strand, the reverse complement: NEB is on the minus strand); deleting any 2 consecutive bases within chr2:151,562,727-151,562,730 gives the same sequence; the c. name uses the placement nearest the transcript's 3' end. VCF-style (leftmost placement, unchanged base first): chr2-151562726-CTT-C. GRCh37 (hg19) VCF-style: chr2-152419240-CTT-C.
Other names: c.18774_18775del, p.Arg6259fs (NM_001164507.2, NM_001271208.2); c.13671_13672del, p.Arg4558fs (NM_004543.5); short protein forms R4558fs, R6259fs.
Identifiers: ClinVar variation 1725860 (VCV001725860.2), dbSNP rs2552190536, ClinGen allele CA2580063946.

ClinVar aggregate classification (germline): Likely pathogenic (1 of 4 stars; one submission).

Conditions:
Nemaline myopathy 2 (NEM2). Also called: Nemaline myopathy 2, autosomal recessive. Identifiers: MedGen C1850569, MONDO:0009725, OMIM 256030.

Submission:

Myriad Genetics, Inc.
Classification: Likely pathogenic for Nemaline myopathy 2. Last evaluated: 2022-04-04. Review status: criteria provided, single submitter. Criteria: Myriad Women's Health Autosomal Recessive and X-Linked Classification Criteria (2021). Collection method: clinical testing. Allele origin: unknown.
Comment: NM_001271208.1(NEB):c.18774_18775delAA(R6259Vfs*7) is expected to be pathogenic in the context of NEB-related nemaline myopathy. This variant is predicted to lead to an abnormal or absent protein product due to the creation of a premature termination codon in NEB, a gene where loss-of-function variants are known to be pathogenic. Please note: this variant was assessed in the context of healthy population screening.